The following is an entry in ClinVar:

ClinVar aggregate classification (germline): Uncertain significance (1 of 4 stars; one submission).

Conditions:
Mendelian susceptibility to mycobacterial diseases due to complete IL12B deficiency. Also called: Immunodeficiency 29; IL12B DEFICIENCY. Identifiers: Orphanet 319558, MedGen C4013948, MONDO:0013954, OMIM 614890.

Allele frequency attached by ClinVar (database versions not stated): gnomAD exomes below 0.00001; ExAC 0.00001; gnomAD 0.00001 and 0.00003; TOPMed 0.00002.
gnomAD v4.1: 5 of 1,614,022 alleles (0.00031%); highest among the groups gnomAD compares: African/African-American, 0.004%; no homozygotes.

Submission:

Labcorp Genetics (formerly Invitae), Labcorp
Classification: Uncertain significance for Mendelian susceptibility to mycobacterial diseases due to complete IL12B deficiency. Last evaluated: 2022-06-04. Review status: criteria provided, single submitter. Criteria: Invitae Variant Classification Sherloc (09022015). Collection method: clinical testing. Allele origin: germline.
Comment: In summary, the available evidence is currently insufficient to determine the role of this variant in disease. Therefore, it has been classified as a Variant of Uncertain Significance. Algorithms developed to predict the effect of missense changes on protein structure and function output the following: SIFT: "Tolerated"; PolyPhen-2: "Benign"; Align-GVGD: "Class C0". The valine amino acid residue is found in multiple mammalian species, which suggests that this missense change does not adversely affect protein function. ClinVar contains an entry for this variant (Variation ID: 1419326). This variant has not been reported in the literature in individuals affected with IL12B-related conditions. This variant is present in population databases (rs760025343, gnomAD 0.01%). This sequence change replaces isoleucine, which is neutral and non-polar, with valine, which is neutral and non-polar, at codon 208 of the IL12B protein (p.Ile208Val).

NM_002187.3(IL12B):c.622A>G (p.Ile208Val)

Gene: IL12B (interleukin 12B; minus strand). Cytogenetic location: 5q33.3.
Variant type: single nucleotide variant.
Coding change: c.622A>G on transcript NM_002187.3 (MANE Select); coding-DNA position 622, A replaced by G.
Protein change: p.Ile208Val; replaces isoleucine 208 with valine.
Molecular consequence: missense variant.
Genome position (GRCh38, 1-based): chr5:159,320,381, T>C on the plus strand (A>G on the coding strand, the complement: IL12B is on the minus strand). VCF-style: chr5-159320381-T-C. GRCh37 (hg19) VCF-style: chr5-158747389-T-C.
Other names: short protein forms I208V.
Identifiers: ClinVar variation 1419326 (VCV001419326.6), dbSNP rs760025343, ClinGen allele CA3538756.
Genomic context (GRCh38, chr5:159,320,381, plus strand): 5'-AGAAGCTGCTGGTGTAGTTTTCATACTTGAGCTTGTGAACGGCATCCACCATGACCTCAA[T>C]GGGCAGACTCTCCTCAGCAGCTGGGCAGGCACTGTCCTCCTGGCACTCCACTGAGTACTC-3'
Protein context (NP_002178.2, residues 198-218): ACPAAEESLP[Ile208Val]EVMVDAVHKL